The following is an entry in ClinVar:

ClinVar aggregate classification (germline): Uncertain significance (1 of 4 stars; one submission).

Allele frequency attached by ClinVar (database versions not stated): gnomAD exomes below 0.00001.
gnomAD v4.1: 8 of 1,614,158 alleles (0.0005%); highest among the groups gnomAD compares: East Asian, 0.0022%; no homozygotes.

Submission:

GeneDx
Classification: Uncertain significance. Last evaluated: 2026-10-02. Review status: criteria provided, single submitter. Criteria: GeneDx Variant Classification Process June 2021. Collection method: clinical testing. Allele origin: germline.
Comment: Not observed at significant frequency in large population cohorts (gnomAD); In silico analysis supports that this missense variant has a deleterious effect on protein structure/function; Has not been previously published as pathogenic or benign to our knowledge

NM_004614.5(TK2):c.754C>T (p.Arg252Trp)

Gene: TK2 (thymidine kinase 2; minus strand). Cytogenetic location: 16q21.
Variant type: single nucleotide variant.
Coding change: c.754C>T on transcript NM_004614.5 (MANE Select); coding-DNA position 754, C replaced by T.
Protein change: p.Arg252Trp; replaces arginine 252 with tryptophan.
Molecular consequence: missense variant. On other transcripts: 3 prime UTR variant (1), non-coding transcript variant (1).
Genome position (GRCh38, 1-based): chr16:66,512,012, G>A on the plus strand (C>T on the coding strand, the complement: TK2 is on the minus strand). VCF-style: chr16-66512012-G-A. GRCh37 (hg19) VCF-style: chr16-66545915-G-A.
Other names: p.R252W:CGG>TGG; c.661C>T, p.Arg221Trp (NM_001172643.1); c.679C>T, p.Arg227Trp (NM_001172644.2); c.700C>T, p.Arg234Trp (NM_001172645.2); c.607C>T, p.Arg203Trp (NM_001271934.2); c.*51C>T (NM_001271935.1); c.463C>T, p.Arg155Trp (NM_001272050.2); short protein forms R252W, R203W, R227W, R234W, R155W, R221W.
Identifiers: ClinVar variation 215264 (VCV000215264.3), dbSNP rs373264612, ClinGen allele CA320360.